The following is an entry in ClinVar:

NM_198253.3(TERT):c.1603C>T (p.Arg535Cys)

Gene: TERT (telomerase reverse transcriptase; minus strand). Cytogenetic location: 5p15.33.
Variant type: single nucleotide variant.
Coding change: c.1603C>T on transcript NM_198253.3 (MANE Select); coding-DNA position 1603, C replaced by T.
Protein change: p.Arg535Cys; replaces arginine 535 with cysteine.
Molecular consequence: missense variant. On other transcripts: non-coding transcript variant (2).
Genome position (GRCh38, 1-based): chr5:1,282,595, G>A on the plus strand (C>T on the coding strand, the complement: TERT is on the minus strand). VCF-style: chr5-1282595-G-A. GRCh37 (hg19) VCF-style: chr5-1282710-G-A.
Other names: p.Arg535Cys; c.1603C>T, p.Arg535Cys (NM_001193376.3); short protein forms R535C.
Identifiers: ClinVar variation 850249 (VCV000850249.45), dbSNP rs1750103128, ClinGen allele CA359083513.

ClinVar aggregate classification (germline): Uncertain significance. Review status: criteria provided, multiple submitters, no conflicts (2 of 4 stars). 6 submissions from 6 submitters: Uncertain significance (5). 1 of the submissions does not count toward it. Last evaluated 2025-12-24.

Conditions:
Pulmonary fibrosis and/or bone marrow failure, Telomere-related, 1. Also called: PULMONARY FIBROSIS AND/OR BONE MARROW FAILURE SYNDROME, TELOMERE-RELATED, 1. Identifiers: Orphanet 88, MedGen C3553617, MONDO:0013878, OMIM 614742.
Pulmonary fibrosis. Identifiers: MedGen C0034069, MONDO:0002771, HP:0002206.
Dyskeratosis congenita. Identifiers: Orphanet 1775, MedGen C0265965, MONDO:0015780.
Dyskeratosis congenita, autosomal dominant 2. Identifiers: MedGen C3151443, MONDO:0013521, OMIM 613989.
Idiopathic Pulmonary Fibrosis. Also called: Idiopathic fibrosing alveolitis, chronic form; idiopathic fibrosing alveolitis. Identifiers: Orphanet 2032, MedGen C1800706, MeSH D054990, MONDO:0800504.

Allele frequency attached by ClinVar (database versions not stated): gnomAD exomes 0.00001.
gnomAD v4.1: 7 of 1,614,026 alleles (0.00043%); highest among the groups gnomAD compares: South Asian, 0.0011%; no homozygotes.

Submissions (6):

Labcorp Genetics (formerly Invitae), Labcorp
Classification: Uncertain significance for Dyskeratosis congenita, autosomal dominant 2; Idiopathic Pulmonary Fibrosis. Last evaluated: 2025-12-24. Review status: criteria provided, single submitter. Criteria: Invitae Variant Classification Sherloc (09022015). Collection method: clinical testing. Allele origin: germline.
Comment: This sequence change replaces arginine, which is basic and polar, with cysteine, which is neutral and slightly polar, at codon 535 of the TERT protein (p.Arg535Cys). This variant is not present in population databases (gnomAD no frequency). This missense change has been observed in individual(s) with pulmonary fibrosis (PMID: 36028256). ClinVar contains an entry for this variant (Variation ID: 850249). Invitae Evidence Modeling of protein sequence and biophysical properties (such as structural, functional, and spatial information, amino acid conservation, physicochemical variation, residue mobility, and thermodynamic stability) indicates that this missense variant is expected to disrupt TERT protein function with a positive predictive value of 95%. In summary, the available evidence is currently insufficient to determine the role of this variant in disease. Therefore, it has been classified as a Variant of Uncertain Significance.

Victorian Clinical Genetics Services, Murdoch Childrens Research Institute
Classification: Uncertain significance for Pulmonary fibrosis and/or bone marrow failure, Telomere-related, 1. Last evaluated: 2025-08-29. Review status: criteria provided, single submitter. Criteria: ACMG Guidelines, 2015. Collection method: clinical testing. Allele origin: germline. Affected: yes.
Comment: This variant is classified as VUS-3B. Evidence in support of pathogenic classification: Variant is present in gnomAD <0.01 (v4: 7 heterozygote(s), 0 homozygote(s)). Evidence in support of benign classification: This variant has moderate functional evidence supporting normal protein function. Functional analysis has demonstrated this variant does not affect telomerase activity, binding of hTERT to telomerase RNA, or telomerase localisation (Peter MacCallum Cancer Centre, personal communication). Additional information: Variant is predicted to result in a missense amino acid change from Arg to Cys; This variant is heterozygous; This gene is associated with both recessive and dominant disease. No specific genotype-phenotype correlations have been established (PMID: 20301779); Alternative amino acid change(s) at the same position are present in gnomAD (Highest allele count: v4: 48 heterozygote(s), 0 homozygote(s)); Previous reports of pathogenicity for this variant are conflicting. This variant has been classified as a VUS by clinical laboratories in ClinVar, and reported in the literature in a heterozygous individual with interstitial lung disease and very short telomeres (PMID: 27540018). In addition, this variant has been reported in an individual with confirmed telomere disease with liver involvement (PMID: 30791107); however, the zygosity was not reported. This variant has been identified in the homozygous state in an individual with pulmonary fibrosis and very short telomeres (Peter MacCallum Cancer Centre, personal communication); No published evidence of segregation with disease has been identified for this variant; Other missense variant(s) comparable to the one identified in this case have inconclusive previous evidence for pathogenicity. p.(Arg535Pro) and p.(Arg535His) have been classified as VUS by clinical laboratories in ClinVar. In addition, p.(Arg535His) has been reported in the literature in the heterozygous state in an individual with myelodysplastic syndrome (PMID: 32076714); Variant is located in the annotated telomerase ribonucleoprotein complex - RNA binding domain (DECIPHER); Missense variant with inconclusive in silico prediction and uninformative conservation; Loss of function is a known mechanism of disease in this gene and is associated with autosomal dominant dyskeratosis congenita 2 and autosomal recessive dyskeratosis congenita 4 (MIM#613989) and telomere-related pulmonary fibrosis and/or bone marrow failure 1 (MIM#614742); Variants in this gene are known to have variable expressivity. Phenotypic variability is well reported for dyskeratosis congenita (OMIM, PMID: 20301779); Inheritance information for this variant is not currently available in this individual.

CeGaT Center for Human Genetics Tuebingen
Classification: Uncertain significance. Last evaluated: 2025-03-01. Review status: criteria provided, single submitter. Criteria: CeGaT Center For Human Genetics Tuebingen Variant Classification Criteria Version 2. Collection method: clinical testing. Allele origin: germline. Affected: yes. Observed: 1 variant allele.
Comment: TERT: PM2

Ambry Genetics
Classification: Uncertain significance for Dyskeratosis congenita. Last evaluated: 2025-02-27. Review status: criteria provided, single submitter. Criteria: Ambry Variant Classification Scheme 2023. Collection method: clinical testing. Allele origin: germline.
Comment: The p.R535C variant (also known as c.1603C>T), located in coding exon 3 of the TERT gene, results from a C to T substitution at nucleotide position 1603. The arginine at codon 535 is replaced by cysteine, an amino acid with highly dissimilar properties. This amino acid position is well conserved in available vertebrate species. In addition, the in silico prediction for this alteration is inconclusive. Based on the available evidence, the clinical significance of this variant remains unclear.

Blueprint Genetics
Classification: Uncertain significance. Last evaluated: 2023-08-09. Review status: criteria provided, single submitter. Criteria: ACMG Guidelines, 2015. Collection method: clinical testing. Allele origin: germline.

Garcia Pulmonary Genetics Research Laboratory, Columbia University Irving Medical Center
Classification: Likely risk allele for Pulmonary fibrosis. Last evaluated: 2022-06-09. Review status: no assertion criteria provided. Collection method: research. Allele origin: germline. Affected: yes. Not counted in ClinVar's aggregate classification.
Comment: Leukocyte telomere length (by qPCR) less than 10th percentile age-adjusted

Literature cited by the submitters: PubMed 36028256 (cited by Labcorp Genetics (formerly Invitae), Labcorp); PubMed 27540018 (cited by Victorian Clinical Genetics Services, Murdoch Childrens Research Institute); PubMed 20301779 (cited by Victorian Clinical Genetics Services, Murdoch Childrens Research Institute); PubMed 30791107 (cited by Victorian Clinical Genetics Services, Murdoch Childrens Research Institute); PubMed 32076714 (cited by Victorian Clinical Genetics Services, Murdoch Childrens Research Institute).